The following is an entry in ClinVar:

NM_001854.4(COL11A1):c.1703G>A (p.Gly568Asp)

Gene: COL11A1 (collagen type XI alpha 1 chain; minus strand). Cytogenetic location: 1p21.1.
Variant type: single nucleotide variant.
Coding change: c.1703G>A on transcript NM_001854.4 (MANE Select); coding-DNA position 1703, G replaced by A.
Protein change: p.Gly568Asp; replaces glycine 568 with aspartic acid.
Molecular consequence: missense variant. On other transcripts: non-coding transcript variant (1).
Genome position (GRCh38, 1-based): chr1:103,006,296, C>T on the plus strand (G>A on the coding strand, the complement: COL11A1 is on the minus strand). VCF-style: chr1-103006296-C-T. GRCh37 (hg19) VCF-style: chr1-103471852-C-T.
Other names: c.1586G>A, p.Gly529Asp (NM_001190709.2); c.1739G>A, p.Gly580Asp (NM_080629.3); c.1355G>A, p.Gly452Asp (NM_080630.4); short protein forms G529D, G452D, G568D, G580D.
Identifiers: ClinVar variation 1390246 (VCV001390246.6), dbSNP rs1665608144, ClinGen allele CA341175134.

ClinVar aggregate classification (germline): Uncertain significance (1 of 4 stars; one submission).

Submission:

Labcorp Genetics (formerly Invitae), Labcorp
Classification: Uncertain significance. Last evaluated: 2022-08-15. Review status: criteria provided, single submitter. Criteria: Invitae Variant Classification Sherloc (09022015). Collection method: clinical testing. Allele origin: germline.
Comment: This sequence change replaces glycine, which is neutral and non-polar, with aspartic acid, which is acidic and polar, at codon 568 of the COL11A1 protein (p.Gly568Asp). This variant is not present in population databases (gnomAD no frequency). This variant has not been reported in the literature in individuals affected with COL11A1-related conditions. ClinVar contains an entry for this variant (Variation ID: 1390246). Advanced modeling of protein sequence and biophysical properties (such as structural, functional, and spatial information, amino acid conservation, physicochemical variation, residue mobility, and thermodynamic stability) performed at Invitae indicates that this missense variant is expected to disrupt COL11A1 protein function. In summary, the available evidence is currently insufficient to determine the role of this variant in disease. Therefore, it has been classified as a Variant of Uncertain Significance.